The following is an entry in ClinVar:

NM_033026.6(PCLO):c.3161A>C (p.Lys1054Thr)

Gene: PCLO (piccolo presynaptic cytomatrix protein; minus strand). Cytogenetic location: 7q21.11.
Variant type: single nucleotide variant.
Coding change: c.3161A>C on transcript NM_033026.6 (MANE Select); coding-DNA position 3161, A replaced by C.
Protein change: p.Lys1054Thr; replaces lysine 1054 with threonine.
Molecular consequence: missense variant.
Genome position (GRCh38, 1-based): chr7:83,134,389, T>G on the plus strand (A>C on the coding strand, the complement: PCLO is on the minus strand). VCF-style: chr7-83134389-T-G. GRCh37 (hg19) VCF-style: chr7-82763705-T-G.
Other names: c.3161A>C, p.Lys1054Thr (NM_014510.3); short protein forms K1054T.
Identifiers: ClinVar variation 3903217 (VCV003903217.1).

ClinVar aggregate classification (germline): Uncertain significance (1 of 4 stars; one submission).

gnomAD v4.1: 1 of 1,613,836 alleles (0.000062%); highest among the groups gnomAD compares: African/African-American, 0.0013%; no homozygotes.

Submission:

GeneDx
Classification: Uncertain significance. Last evaluated: 2022-02-12. Review status: criteria provided, single submitter. Criteria: GeneDx Variant Classification Process June 2021. Collection method: clinical testing. Allele origin: germline. Affected: yes.
Comment: Not observed at significant frequency in large population cohorts (gnomAD); In silico analysis supports that this missense variant has a deleterious effect on protein structure/function; Has not been previously published as pathogenic or benign to our knowledge; Variants in candidate genes are classified as variants of uncertain significance in accordance with ACMG guidelines (Richards et al., 2015)